The following is an entry in ClinVar:

ClinVar aggregate classification (germline): Likely pathogenic (1 of 4 stars; one submission).

Conditions:
Vascular malformation. Also called: Vascular malformations. Identifiers: MedGen C0158570, MONDO:0024291.

Submission:

Clinical Genomics Laboratory, Washington University in St. Louis
Classification: Likely pathogenic for Vascular malformation. Last evaluated: 2024-04-08. Review status: criteria provided, single submitter. Criteria: ACMG Guidelines, 2015. Collection method: clinical testing. Allele origin: somatic. Affected: yes.
Comment: An HRAS c.215_216insCTCCAGCGCCATGCGGGACCAGTACAT (p.Tyr71_Met72insIleSerSerAlaMetArgAspGlnTyr) variant was identified at an allelic fraction consistent with somatic origin. It has been identified in the literature in an individual with a vascular anomaly of the abdominal wall (Eijkelenboom A et al., PMID: 31160609). In addition, other inframe indels in the RAS genes have been identified in patients with various types of vascular anomalies (Hou YCC et al., et al., PMID:36571464; Hong T et al., PMID: 30544177; Konczyk DJ et al., PMID: 31637524) and RASopathies (Eijkelenboom A et al., PMID: 31160609). The HRAS c.215_216insCTCCAGCGCCATGCGGGACCAGTACAT (p.Tyr71_Met72insIleSerSerAlaMetArgAspGlnTyr) variant is absent from the general population (gnomAD v.4.0.0), indicating it is not a common variant. It resides within a region, the switch II domain, of HRAS that is defined as a region critical for binding regulator and effector proteins (Vetter IR et al., PMID: 11701921). This variant is predicted to cause a change in the length of the protein due to an in-frame insertion of 8 amino acids in a non-repeat region. Functional analyses of this specific variant, as well as other similar in-frame insertions and duplications in the HRAS switch II domain have demonstrated that these variants lead to increased RAS signaling (Eijkelenboom A et al., PMID: 31160609). Based on an internally-developed protocol informed by the ACMG/AMP guidelines (Richards S et al., PMID: 25741868) and gene-specific practices from the ClinGen Criteria Specification Registry, the HRAS c.215_216insCTCCAGCGCCATGCGGGACCAGTACAT (p.Tyr71_Met72insIleSerSerAlaMetArgAspGlnTyr)variant is classified as likely pathogenic.

NM_005343.4(HRAS):c.215_216insCTCCAGCGCCATGCGGGACCAGTACAT (p.Tyr71_Met72insIleSerSerAlaMetArgAspGlnTyr)

Genes: HRAS (HRas proto-oncogene, GTPase; minus strand), LRRC56 (leucine rich repeat containing 56; plus strand). Cytogenetic location: 11p15.5.
Variant type: Insertion.
Coding change: c.215_216insCTCCAGCGCCATGCGGGACCAGTACAT on transcript NM_005343.4 (MANE Select); coding-DNA positions 215 to 216, CTCCAGCGCCATGCGGGACCAGTACAT inserted.
Protein change: p.Tyr71_Met72insIleSerSerAlaMetArgAspGlnTyr.
Molecular consequence: 5 prime UTR variant (on NM_001318054.2).
Genome position: GRCh38 VCF-style: chr11-533840-C-CATGTACTGGTCCCGCATGGCGCTGGAG. GRCh37 (hg19) VCF-style: chr11-533840-C-CATGTACTGGTCCCGCATGGCGCTGGAG.
Other names: c.215_216insCTCCAGCGCCATGCGGGACCAGTACAT, p.Tyr71_Met72insIleSerSerAlaMetArgAspGlnTyr (NM_001130442.3, NM_176795.5); c.-105_-104insCTCCAGCGCCATGCGGGACCAGTACAT (NM_001318054.2).
Identifiers: ClinVar variation 3238637 (VCV003238637.1), dbSNP rs2539797407.
Genomic context (GRCh38, chr11:533,840, plus strand): 5'-GTCCTCAAAAGACTTGGTGTTGTTGATGGCAAACACACACAGGAAGCCCTCCCCGGTGCG[C>CATGTACTGGTCCCGCATGGCGCTGGAG]ATGTACTGGTCCCGCATGGCGCTGTACTCCTCCTGGCCGGCGGTATCCAGGATGTCCAAC-3'